The following is an entry in ClinVar:

ClinVar aggregate classification (germline): Uncertain significance (1 of 4 stars; one submission).

Conditions:
FARS2-related disorder. Also called: FARS2-related condition; FARS2-related disorders.

gnomAD v4.1: 3 of 1,613,858 alleles (0.00019%); highest among the groups gnomAD compares: Non-Finnish European, 0.00025%; no homozygotes.

Submission:

PreventionGenetics, part of Exact Sciences
Classification: Uncertain significance for FARS2-related condition. Last evaluated: 2023-01-04. Review status: criteria provided, single submitter. Criteria: ACMG Guidelines, 2015. Collection method: clinical testing. Allele origin: germline.
Comment: The FARS2 c.509C>T variant is predicted to result in the amino acid substitution p.Ala170Val. To our knowledge, this variant has not been reported in the literature. This variant is reported in 0.0065% of alleles in individuals of European (Non-Finnish) descent in gnomAD. At this time, the clinical significance of this variant is uncertain due to the absence of conclusive functional and genetic evidence.

NM_006567.5(FARS2):c.509C>T (p.Ala170Val)

Genes: FARS2 (phenylalanyl-tRNA synthetase 2, mitochondrial; plus strand), LOC126859565 (CDK7 strongly-dependent group 2 enhancer GRCh37_chr6:5368745-5369944; plus strand). Cytogenetic location: 6p25.1.
Variant type: single nucleotide variant.
Coding change: c.509C>T on transcript NM_006567.5 (MANE Select); coding-DNA position 509, C replaced by T.
Protein change: p.Ala170Val; replaces alanine 170 with valine.
Molecular consequence: missense variant. On other transcripts: intron variant (2).
Genome position (GRCh38, 1-based): chr6:5,369,079, C>T. VCF-style: chr6-5369079-C-T. GRCh37 (hg19) VCF-style: chr6-5369312-C-T.
Other names: c.509C>T, p.Ala170Val (NM_001318872.2, NM_001374875.1, NM_001374876.1 and 5 more transcripts); c.-340-27554C>T (NM_001375260.1); c.-84-35463C>T (NM_001375259.1); short protein forms A170V.
Identifiers: ClinVar variation 2629582 (VCV002629582.1), dbSNP rs141568455, ClinGen allele CA362735435.
Genomic context (GRCh38, chr6:5,369,079, plus strand): 5'-ACATGCTGAGAGCGCACACGTCTGCACACCAGTGGGACTTGCTGCACGCGGGACTGGATG[C>T]CTTCCTGGTGGTGGGTGATGTCTACAGGCGTGACCAGATCGACTCCCAGCACTACCCTAT-3'
Protein context (NP_006558.1, residues 160-180): QWDLLHAGLD[Ala170Val]FLVVGDVYRR